The following is an entry in ClinVar:

NM_000204.5(CFI):c.1298T>C (p.Ile433Thr)

Gene: CFI (complement factor I; minus strand). Cytogenetic location: 4q25.
Variant type: single nucleotide variant.
Coding change: c.1298T>C on transcript NM_000204.5 (MANE Select); coding-DNA position 1298, T replaced by C.
Protein change: p.Ile433Thr; replaces isoleucine 433 with threonine.
Molecular consequence: missense variant. On other transcripts: non-coding transcript variant (2).
Genome position (GRCh38, 1-based): chr4:109,746,353, A>G on the plus strand (T>C on the coding strand, the complement: CFI is on the minus strand). VCF-style: chr4-109746353-A-G. GRCh37 (hg19) VCF-style: chr4-110667509-A-G.
Other names: c.1322T>C, p.Ile441Thr (NM_001318057.2, NM_001375278.1); c.1277T>C, p.Ile426Thr (NM_001331035.2, NM_001375280.1, NM_001375282.1); c.1298T>C, p.Ile433Thr (NM_001375279.1, NM_001375281.1); c.1241T>C, p.Ile414Thr (NM_001375283.1); c.689T>C, p.Ile230Thr (NM_001375284.1); short protein forms I230T, I414T, I426T, I433T, I441T.
Identifiers: ClinVar variation 3044165 (VCV003044165.6), dbSNP rs1248287792, ClinGen allele CA357857042.
Genomic context (GRCh38, chr4:109,746,353, plus strand): 5'-CAGGCAGGGATGGAACGAGGCAGCTCACAATCTTTTTTGTTTCCGTCTTTTTTCATTTCA[A>G]TCAAAGCGATGTCATTTTGGTAAGTGCCTGCATTGTAGTTTTCATGGAAAATAATTCTAT-3'
Protein context (NP_000195.3, residues 423-443): AGTYQNDIAL[Ile433Thr]EMKKDGNKKD

ClinVar aggregate classification (germline): Conflicting classifications of pathogenicity. Review status: criteria provided, conflicting classifications (1 of 4 stars). 4 submissions from 4 submitters: Likely pathogenic (1); Uncertain significance (2). 1 of the submissions does not count toward it. Last evaluated 2026-09-17.

Conditions:
CFI-related disorder. Also called: CFI-related disorders; CFI-related condition. Identifiers: MedGen CN239325.
Factor I deficiency (CFID). Also called: Complement factor I deficiency. Identifiers: Orphanet 200418, MedGen C3463916, MONDO:0012594, OMIM 610984.
Atypical hemolytic-uremic syndrome with I factor anomaly. Also called: HEMOLYTIC UREMIC SYNDROME, ATYPICAL, SUSCEPTIBILITY TO, 3; AHUS, SUSCEPTIBILITY TO, 3. Identifiers: Orphanet 2134, MedGen C2752039, MONDO:0013041, OMIM 612923.
Age related macular degeneration 13. Identifiers: MedGen C3809523, MONDO:0014189, OMIM 615439.

Allele frequency attached by ClinVar (database versions not stated): gnomAD exomes below 0.00001; TOPMed below 0.00001; gnomAD 0.00001.
gnomAD v4.1: 9 of 1,614,036 alleles (0.00056%); highest among the groups gnomAD compares: Non-Finnish European, 0.00059%; no homozygotes.

Submissions (4):

Genomenon, Inc
Classification: Likely pathogenic for CFI-related disorder. Last evaluated: 2026-09-17. Review status: criteria provided, single submitter. Criteria: Genomenon Sequence Variant Interpretation Standards - Updated. Collection method: curation. Allele origin: germline. Affected: yes.
Comment: CFI p.Ile433Thr (c.1298T>C) is a missense variant that changes the amino acid at codon 433 from Isoleucine to Threonine. This variant has been observed in at least one proband affected with a CFI-related disorder (PMID:32510551). Functional studies have been reported (PMID:32510551). The variant is located in a mutational hotspot and/or important functional domain. It is absent or not present at a significant frequency in gnomAD. In silico models predict that this variant is possibly or probably damaging. In conclusion, we classify CFI p.Ile433Thr (c.1298T>C) as a likely pathogenic variant.

Labcorp Genetics (formerly Invitae), Labcorp
Classification: Uncertain significance. Last evaluated: 2025-11-03. Review status: criteria provided, single submitter. Criteria: Invitae Variant Classification Sherloc (09022015). Collection method: clinical testing. Allele origin: germline.
Comment: This sequence change replaces isoleucine, which is neutral and non-polar, with threonine, which is neutral and polar, at codon 433 of the CFI protein (p.Ile433Thr). This variant is present in population databases (no rsID available, gnomAD 0.002%). This missense change has been observed in individual(s) with clinical features of CFI-related conditions (PMID: 32510551). ClinVar contains an entry for this variant (Variation ID: 3044165). Invitae Evidence Modeling of protein sequence and biophysical properties (such as structural, functional, and spatial information, amino acid conservation, physicochemical variation, residue mobility, and thermodynamic stability) indicates that this missense variant is expected to disrupt CFI protein function with a positive predictive value of 80%. Experimental studies have shown that this missense change affects CFI function (PMID: 32510551). In summary, the available evidence is currently insufficient to determine the role of this variant in disease. Therefore, it has been classified as a Variant of Uncertain Significance.

Fulgent Genetics
Classification: Uncertain significance for Factor I deficiency; Atypical hemolytic-uremic syndrome with I factor anomaly; Age related macular degeneration 13. Last evaluated: 2024-02-09. Review status: criteria provided, single submitter. Criteria: ACMG Guidelines, 2015. Collection method: clinical testing. Allele origin: germline.

PreventionGenetics, part of Exact Sciences
Classification: Uncertain significance for CFI-related condition. Last evaluated: 2023-11-07. Review status: no assertion criteria provided. Collection method: clinical testing. Allele origin: germline. Not counted in ClinVar's aggregate classification.
Comment: The CFI c.1298T>C variant is predicted to result in the amino acid substitution p.Ile433Thr. This variant has been reported in an individual with atypical hemolytic uremic syndrome (aHUS) / C3 glomerulopathy (C3G) (Table S3, Geerlings et al. 2018. PubMed ID: 29888403). A functional study showed that this variant led to decreased protein expression (Supplemental Table 1, de Jong et al. 2020. PubMed ID: 32510551). This variant is reported in 0.0018% of alleles in individuals of European (Non-Finnish) descent in gnomAD. At this time, the clinical significance of this variant is uncertain due to the absence of conclusive functional and genetic evidence.

Literature cited by the submitters: PubMed 32510551 (cited by Genomenon, Inc and Labcorp Genetics (formerly Invitae), Labcorp).